The following is an entry in ClinVar:

NM_006662.3(SRCAP):c.7523C>T (p.Pro2508Leu)

Gene: SRCAP (Snf2 related CREBBP activator protein; plus strand). Cytogenetic location: 16p11.2.
Variant type: single nucleotide variant.
Coding change: c.7523C>T on transcript NM_006662.3 (MANE Select); coding-DNA position 7523, C replaced by T.
Protein change: p.Pro2508Leu; replaces proline 2508 with leucine.
Molecular consequence: missense variant.
Genome position (GRCh38, 1-based): chr16:30,737,563, C>T. VCF-style: chr16-30737563-C-T. GRCh37 (hg19) VCF-style: chr16-30748884-C-T.
Other names: short protein forms P2508L.
Identifiers: ClinVar variation 2140415 (VCV002140415.9), dbSNP rs201916514, ClinGen allele CA8012500.

ClinVar aggregate classification (germline): Conflicting classifications of pathogenicity. Review status: criteria provided, conflicting classifications (1 of 4 stars). 4 submissions from 4 submitters: Uncertain significance (2); Likely benign (2). Last evaluated 2026-07-01.

Conditions:
Inborn genetic diseases. Identifiers: MedGen C0950123, MeSH D030342.

Allele frequency attached by ClinVar (database versions not stated): gnomAD 0.00003 and 0.00005; TOPMed 0.00003 and 0.00005; gnomAD exomes 0.00004 and 0.00009; ExAC 0.00005; 1000 Genomes Project 0.00020; 1000 Genomes Project 30x 0.00031.
gnomAD v4.1: 31 of 1,614,084 alleles (0.0019%); highest among the groups gnomAD compares: Admixed American, 0.047%; no homozygotes.

Submissions (4):

CeGaT Center for Human Genetics Tuebingen
Classification: Likely benign. Last evaluated: 2026-07-01. Review status: criteria provided, single submitter. Criteria: CeGaT Center For Human Genetics Tuebingen Variant Classification Criteria Version 2. Collection method: clinical testing. Allele origin: germline. Affected: yes. Observed: 1 variant allele.
Comment: SRCAP: BP4, BS2

Women's Health and Genetics/Laboratory Corporation of America, LabCorp
Classification: Uncertain significance. Last evaluated: 2026-06-05. Review status: criteria provided, single submitter. Criteria: LabCorp Variant Classification Summary - May 2015. Collection method: clinical testing. Allele origin: germline.
Comment: Variant summary: SRCAP c.7523C>T (p.Pro2508Leu) results in a non-conservative amino acid change in the encoded protein sequence. Algorithms developed to predict the effect of missense changes on protein structure and function are either unavailable or do not agree on the potential impact of this missense change. The variant allele was found at a frequency of 8.8e-05 in 251408 control chromosomes (gnomAD). This frequency is not significantly higher than estimated for disease-causing variants in SRCAP, allowing no conclusion about variant significance. To our knowledge, no occurrence of c.7523C>T in individuals affected with SRCAP-related conditions and no experimental evidence demonstrating its impact on protein function have been reported. ClinVar contains an entry for this variant (Variation ID: 2140415). Based on the evidence outlined above, the variant was classified as VUS-possibly benign.

Labcorp Genetics (formerly Invitae), Labcorp
Classification: Uncertain significance. Last evaluated: 2025-05-25. Review status: criteria provided, single submitter. Criteria: Invitae Variant Classification Sherloc (09022015). Collection method: clinical testing. Allele origin: germline.
Comment: This sequence change replaces proline, which is neutral and non-polar, with leucine, which is neutral and non-polar, at codon 2508 of the SRCAP protein (p.Pro2508Leu). This variant is present in population databases (rs201916514, gnomAD 0.06%), and has an allele count higher than expected for a pathogenic variant. This variant has not been reported in the literature in individuals affected with SRCAP-related conditions. ClinVar contains an entry for this variant (Variation ID: 2140415). Invitae Evidence Modeling of protein sequence and biophysical properties (such as structural, functional, and spatial information, amino acid conservation, physicochemical variation, residue mobility, and thermodynamic stability) indicates that this missense variant is not expected to disrupt SRCAP protein function with a negative predictive value of 80%. In summary, the available evidence is currently insufficient to determine the role of this variant in disease. Therefore, it has been classified as a Variant of Uncertain Significance.

Ambry Genetics
Classification: Likely benign for Inborn genetic diseases. Last evaluated: 2023-05-31. Review status: criteria provided, single submitter. Criteria: Ambry Variant Classification Scheme 2023. Collection method: clinical testing. Allele origin: germline.